The following is an entry in ClinVar:

NM_001999.4(FBN2):c.2108G>A (p.Arg703His)

Gene: FBN2 (fibrillin 2; minus strand). Cytogenetic location: 5q23.3.
Variant type: single nucleotide variant.
Coding change: c.2108G>A on transcript NM_001999.4 (MANE Select); coding-DNA position 2108, G replaced by A.
Protein change: p.Arg703His; replaces arginine 703 with histidine.
Molecular consequence: missense variant.
Genome position (GRCh38, 1-based): chr5:128,369,322, C>T on the plus strand (G>A on the coding strand, the complement: FBN2 is on the minus strand). VCF-style: chr5-128369322-C-T. GRCh37 (hg19) VCF-style: chr5-127705015-C-T.
Other names: short protein forms R703H.
Identifiers: ClinVar variation 213391 (VCV000213391.16), dbSNP rs567790419, ClinGen allele CA325354.
Genomic context (GRCh38, chr5:128,369,322, plus strand): 5'-ACTGCACCGGGGAAAGGACGCACACACACTCCTTTCTTGATTCCTCCATAGCAGGTACTG[C>T]GCATGTGAGTATCTAAAGGAGATACAAAAACAATGACTTGAGGCAGTGATAGAGACAAAG-3'
Protein context (NP_001990.2, residues 693-713): DGRVCVDTHM[Arg703His]STCYGGIKKG

ClinVar aggregate classification (germline): Conflicting classifications of pathogenicity. Review status: criteria provided, conflicting classifications (1 of 4 stars). 3 submissions from 3 submitters: Uncertain significance (2); Likely benign (1). Last evaluated 2026-01-29.

Conditions:
Familial thoracic aortic aneurysm and aortic dissection (TAAD). Also called: Thoracic aortic aneurysms and dissections. Identifiers: Orphanet 91387, MedGen C4707243, MONDO:0019625.
Congenital contractural arachnodactyly (CCA). Also called: Arthrogryposis, distal, type 9; BEALS SYNDROME; Beals-Hecht syndrome. Identifiers: Orphanet 115, MedGen C0220668, MONDO:0007363, OMIM 121050.

Allele frequency attached by ClinVar (database versions not stated): gnomAD exomes 0.00003; gnomAD 0.00011; ExAC 0.00002; 1000 Genomes Project 30x 0.00031; TOPMed 0.00007; 1000 Genomes Project 0.00020.
gnomAD v4.1: 39 of 1,613,996 alleles (0.0024%); highest among the groups gnomAD compares: African/African-American, 0.027%; no homozygotes.

Submissions (3):

Labcorp Genetics (formerly Invitae), Labcorp
Classification: Likely benign for Congenital contractural arachnodactyly. Last evaluated: 2026-01-29. Review status: criteria provided, single submitter. Criteria: Invitae Variant Classification Sherloc (09022015). Collection method: clinical testing. Allele origin: germline.

Ambry Genetics
Classification: Uncertain significance for Familial thoracic aortic aneurysm and aortic dissection. Last evaluated: 2025-12-16. Review status: criteria provided, single submitter. Criteria: Ambry Variant Classification Scheme 2023. Collection method: clinical testing. Allele origin: germline.
Comment: The p.R703H variant (also known as c.2108G>A), located in coding exon 16 of the FBN2 gene, results from a G to A substitution at nucleotide position 2108. The arginine at codon 703 is replaced by histidine, an amino acid with highly similar properties. This amino acid position is highly conserved in available vertebrate species. In addition, this alteration is predicted to be deleterious by in silico analysis. Since supporting evidence is limited at this time, the clinical significance of this alteration remains unclear.

GeneDx
Classification: Uncertain significance. Last evaluated: 2025-09-04. Review status: criteria provided, single submitter. Criteria: GeneDx Variant Classification Process June 2021. Collection method: clinical testing. Allele origin: germline. Affected: yes.
Comment: Has not been previously published as pathogenic or benign to our knowledge; In silico analysis supports that this missense variant has a deleterious effect on protein structure/function